The following is an entry in ClinVar:

NM_001042492.3(NF1):c.2043_2047dup (p.Ala683fs)

Gene: NF1 (neurofibromin 1; plus strand). Cytogenetic location: 17q11.2.
Variant type: Duplication.
Coding change: c.2043_2047dup on transcript NM_001042492.3 (MANE Select); coding-DNA positions 2043 to 2047, 5 bases duplicated (ACAAG; older notation c.2043_2047dupACAAG).
Protein change: p.Ala683fs; shifts the reading frame from alanine 683.
Molecular consequence: frameshift variant.
Genome position (GRCh38, 1-based): chr17:31,226,476-31,226,480, ACAAG duplicated; duplicating any 5 consecutive bases within chr17:31,226,475-31,226,480 gives the same sequence; the c. name uses the placement nearest the transcript's 3' end. VCF-style (leftmost placement, unchanged base first): chr17-31226474-C-CGACAA. GRCh37 (hg19) VCF-style: chr17-29553492-C-CGACAA.
Other names: c.2043_2047dup, p.Ala683Aspfs (NM_000267.4); short protein forms A683fs.
Identifiers: ClinVar variation 3726605 (VCV003726605.2).

ClinVar aggregate classification (germline): Pathogenic (1 of 4 stars; one submission).

Conditions:
Neurofibromatosis, type 1 (NF1). Also called: NEUROFIBROMATOSIS, TYPE I, SOMATIC; Peripheral type neurofibromatosis; Neurofibromatosis, type I; VON RECKLINGHAUSEN DISEASE. Identifiers: Orphanet 636, MedGen C0027831, MONDO:0018975, OMIM 162200. Disease mechanism: loss of function.

Submission:

Labcorp Genetics (formerly Invitae), Labcorp
Classification: Pathogenic for Neurofibromatosis, type 1. Last evaluated: 2024-12-04. Review status: criteria provided, single submitter. Criteria: Invitae Variant Classification Sherloc (09022015). Collection method: clinical testing. Allele origin: germline.
Comment: This sequence change creates a premature translational stop signal (p.Ala683Aspfs*7) in the NF1 gene. It is expected to result in an absent or disrupted protein product. Loss-of-function variants in NF1 are known to be pathogenic (PMID: 10712197, 23913538). This variant is not present in population databases (gnomAD no frequency). This variant has not been reported in the literature in individuals affected with NF1-related conditions. For these reasons, this variant has been classified as Pathogenic.

Literature cited by the submitters: PubMed 10712197; PubMed 23913538.